The following is an entry in ClinVar:

ClinVar aggregate classification (germline): Uncertain significance (1 of 4 stars; one submission).

Submission:

GeneDx
Classification: Uncertain significance. Last evaluated: 2024-12-04. Review status: criteria provided, single submitter. Criteria: GeneDx Variant Classification Process June 2021. Collection method: clinical testing. Allele origin: germline. Affected: yes.
Comment: Not observed at significant frequency in large population cohorts (gnomAD); In silico analysis supports that this missense variant has a deleterious effect on protein structure/function; Has not been previously published as pathogenic or benign to our knowledge

NM_006445.4(PRPF8):c.3550A>C (p.Asn1184His)

Gene: PRPF8 (pre-mRNA processing factor 8; minus strand). Cytogenetic location: 17p13.3.
Variant type: single nucleotide variant.
Coding change: c.3550A>C on transcript NM_006445.4 (MANE Select); coding-DNA position 3550, A replaced by C.
Protein change: p.Asn1184His; replaces asparagine 1184 with histidine.
Molecular consequence: missense variant.
Genome position (GRCh38, 1-based): chr17:1,673,464, T>G on the plus strand (A>C on the coding strand, the complement: PRPF8 is on the minus strand). VCF-style: chr17-1673464-T-G. GRCh37 (hg19) VCF-style: chr17-1576758-T-G.
Other names: short protein forms N1184H.
Identifiers: ClinVar variation 3901785 (VCV003901785.1).